The following is an entry in ClinVar:

NM_001105206.3(LAMA4):c.1817+42G>A

Gene: LAMA4 (laminin subunit alpha 4; minus strand). Cytogenetic location: 6q21.
Variant type: single nucleotide variant.
Coding change: c.1817+42G>A on transcript NM_001105206.3 (MANE Select); 42 bases into the intron after coding-DNA position 1817, G replaced by A.
Molecular consequence: intron variant.
Genome position (GRCh38, 1-based): chr6:112,158,690, C>T on the plus strand (G>A on the coding strand, the complement: LAMA4 is on the minus strand). VCF-style: chr6-112158690-C-T. GRCh37 (hg19) VCF-style: chr6-112479892-C-T.
Other names: c.1796+42G>A (NM_002290.5, NM_001105207.3).
Identifiers: ClinVar variation 672705 (VCV000672705.1), dbSNP rs111348123, ClinGen allele CA3965672.

ClinVar aggregate classification (germline): Benign (1 of 4 stars; one submission).

Allele frequency attached by ClinVar (database versions not stated): gnomAD exomes 0.00233 and 0.00592; ExAC 0.00706; gnomAD 0.02177 and 0.02337; 1000 Genomes Project 0.02316; ESP Exome Variant Server 0.02368; 1000 Genomes Project 30x 0.02420; TOPMed 0.02446.
gnomAD v4.1: 6,664 of 1,547,842 alleles (0.43%); highest among the groups gnomAD compares: African/African-American, 7.3%; 226 homozygotes.

Submission:

GeneDx
Classification: Benign. Last evaluated: 2018-06-14. Review status: criteria provided, single submitter. Criteria: GeneDx Variant Classification (06012015). Collection method: clinical testing. Allele origin: germline. Affected: yes.
Comment: This variant is considered likely benign or benign based on one or more of the following criteria: it is a conservative change, it occurs at a poorly conserved position in the protein, it is predicted to be benign by multiple in silico algorithms, and/or has population frequency not consistent with disease.